The following is an entry in ClinVar:

ClinVar aggregate classification (germline): Conflicting classifications of pathogenicity. Review status: criteria provided, conflicting classifications (1 of 4 stars). 3 submissions from 3 submitters: Uncertain significance (2); Likely benign (1). Last evaluated 2025-03-04.

Conditions:
Hereditary cancer-predisposing syndrome. Also called: Neoplastic Syndromes, Hereditary; Tumor predisposition; Hereditary Cancer Syndrome; Hereditary neoplastic syndrome. Identifiers: Orphanet 140162, MedGen C0027672, MeSH D009386, MONDO:0015356.

Submissions (3):

Center for Genomic Medicine, Rigshospitalet, Copenhagen University Hospital
Classification: Uncertain significance. Last evaluated: 2025-03-04. Review status: criteria provided, single submitter. Criteria: ACMG Guidelines, 2015. Collection method: clinical testing. Allele origin: germline.

University of Washington Department of Laboratory Medicine, University of Washington
Classification: Likely benign for Hereditary cancer-predisposing syndrome. Last evaluated: 2023-03-23. Review status: criteria provided, single submitter. Criteria: Dines et al. (Genet Med. 2020). Collection method: curation. Allele origin: germline.
Comment: Missense variant in a coldspot region where missense variants are very unlikely to be pathogenic (PMID:31911673).

BRCA1 coldspot (exon 11 using historical exon numbering). Reclassification based on statistical prior probability

Ambry Genetics
Classification: Uncertain significance for Hereditary cancer-predisposing syndrome. Last evaluated: 2019-11-22. Review status: criteria provided, single submitter. Criteria: Ambry Variant Classification Scheme 2023. Collection method: clinical testing. Allele origin: germline.
Comment: The p.H835P variant (also known as c.2504A>C), located in coding exon 9 of the BRCA1 gene, results from an A to C substitution at nucleotide position 2504. The histidine at codon 835 is replaced by proline, an amino acid with similar properties. This amino acid position is poorly conserved in available vertebrate species. In addition, this alteration is predicted to be tolerated by in silico analysis. Since supporting evidence is limited at this time, the clinical significance of this alteration remains unclear.

NM_007294.4(BRCA1):c.2504A>C (p.His835Pro)

Gene: BRCA1 (BRCA1 DNA repair associated; minus strand). Cytogenetic location: 17q21.31.
Variant type: single nucleotide variant.
Coding change: c.2504A>C on transcript NM_007294.4 (MANE Select); coding-DNA position 2504, A replaced by C.
Protein change: p.His835Pro; replaces histidine 835 with proline.
Molecular consequence: missense variant. On other transcripts: intron variant (137).
Genome position (GRCh38, 1-based): chr17:43,093,027, T>G on the plus strand (A>C on the coding strand, the complement: BRCA1 is on the minus strand). VCF-style: chr17-43093027-T-G. GRCh37 (hg19) VCF-style: chr17-41245044-T-G.
Other names: c.787+1717A>C (NM_001407970.1, NM_001407973.1, NM_001408403.1 and 17 more transcripts); c.2363A>C, p.His788Pro (NM_001407725.1, NM_001407726.1, NM_001407727.1 and 29 more transcripts); c.2360A>C, p.His787Pro (NM_001407740.1, NM_001407741.1, NM_001407742.1 and 20 more transcripts); c.523+1717A>C (NM_001408501.1, NM_001408500.1, NM_001408497.1 and 3 more transcripts); c.646+1717A>C (NM_001408455.1, NM_001408466.1, NM_001408452.1 and 11 more transcripts); c.577+1717A>C (NM_001408513.1, NM_001408489.1, NM_001408479.1 and 9 more transcripts); c.520+1717A>C (NM_001408503.1, NM_001408505.1, NM_001408504.1); c.404-1995A>C (NM_001408511.1); and 41 more; short protein forms H788P, H835P, H539P, H708P, H746P, H794P, H707P, H747P.
Identifiers: ClinVar variation 821402 (VCV000821402.12), dbSNP rs765157365, ClinGen allele CA10596992.